The following is an entry in ClinVar:

ClinVar aggregate classification (germline): Conflicting classifications of pathogenicity. Review status: criteria provided, conflicting classifications (1 of 4 stars). 3 submissions from 3 submitters: Uncertain significance (2); Likely benign (1). Last evaluated 2025-10-14.

Conditions:
Cardiovascular phenotype. Identifiers: MedGen CN230736.

Allele frequency attached by ClinVar (database versions not stated): ExAC 0.00002; gnomAD exomes 0.00002; TOPMed 0.00003.
gnomAD v4.1: 30 of 1,611,740 alleles (0.0019%); highest among the groups gnomAD compares: Non-Finnish European, 0.0025%; no homozygotes.

Submissions (3):

Women's Health and Genetics/Laboratory Corporation of America, LabCorp
Classification: Uncertain significance. Last evaluated: 2025-10-14. Review status: criteria provided, single submitter. Criteria: LabCorp Variant Classification Summary - May 2015. Collection method: clinical testing. Allele origin: germline.
Comment: Variant summary: TNXB c.3637G>A (p.Val1213Ile) results in a conservative amino acid change in the encoded protein sequence. Algorithms developed to predict the effect of missense changes on protein structure and function all suggest that this variant is likely to be tolerated. The variant allele was found at a frequency of 1.7e-05 in 241692 control chromosomes. The available data on variant occurrences in the general population are insufficient to allow any conclusion about variant significance. c.3637G>A has been observed in at least one compound heterozygous individual with severe muscular hypotonia, multiple fractures, joint hyperflexibility, and a muscle biopsy in which reduced tenascin-X was demonstrated, who was also found to be heterozygous for a variant in the COL1A1 gene (example: Mackenroth_2016). This report does not provide unequivocal conclusions about association of the TNXB c.3637G>A variant with Ehlers-Danlos syndrome due to tenascin-X deficiency. The following publication has been ascertained in the context of this evaluation (PMID: 26799614). ClinVar contains an entry for this variant (Variation ID: 1191594). Based on the evidence outlined above, the variant was classified as uncertain significance.

GeneDx
Classification: Uncertain significance. Last evaluated: 2022-06-15. Review status: criteria provided, single submitter. Criteria: GeneDx Variant Classification Process June 2021. Collection method: clinical testing. Allele origin: germline. Affected: yes.
Comment: Observed in the compound heterozygous state with TNXB c.7774G>A in a patient with severe muscular hypotonia, multiple fractures, joint hyperflexibility, and reduced tenascin-X in muscle tissue, who was also identified to have COL1A1 c.4006-1G>A (Mackenroth et al., 2016); Not observed at significant frequency in large population cohorts (gnomAD); In silico analysis supports that this missense variant does not alter protein structure/function; This variant is associated with the following publications: (PMID: 31218159, 26799614, 27535533)

Ambry Genetics
Classification: Likely benign for Cardiovascular phenotype. Last evaluated: 2021-12-07. Review status: criteria provided, single submitter. Criteria: Ambry Variant Classification Scheme 2023. Collection method: clinical testing. Allele origin: germline.

Literature cited by the submitters: PubMed 26799614 (cited by Women's Health and Genetics/Laboratory Corporation of America, LabCorp and Ambry Genetics).

NM_001365276.2(TNXB):c.3637G>A (p.Val1213Ile)

Gene: TNXB (tenascin XB; minus strand). Cytogenetic location: 6p21.33.
Variant type: single nucleotide variant.
Coding change: c.3637G>A on transcript NM_001365276.2 (MANE Select); coding-DNA position 3637, G replaced by A.
Protein change: p.Val1213Ile; replaces valine 1213 with isoleucine.
Molecular consequence: missense variant.
Genome position (GRCh38, 1-based): chr6:32,082,135, C>T on the plus strand (G>A on the coding strand, the complement: TNXB is on the minus strand). VCF-style: chr6-32082135-C-T. GRCh37 (hg19) VCF-style: chr6-32049912-C-T.
Other names: c.3637G>A, p.Val1213Ile (NM_019105.8); short protein forms V1213I.
Identifiers: ClinVar variation 1191594 (VCV001191594.7), dbSNP rs774582576, ClinGen allele CA3735145.